The following is an entry in ClinVar:

NM_005876.5(SPEG):c.8942G>A (p.Arg2981Gln)

Genes: ASIC4-AS1 (ASIC4 antisense RNA 1; minus strand), SPEG (striated muscle enriched protein kinase; plus strand). Cytogenetic location: 2q35.
Variant type: single nucleotide variant.
Coding change: c.8942G>A on transcript NM_005876.5 (MANE Select); coding-DNA position 8942, G replaced by A.
Protein change: p.Arg2981Gln; replaces arginine 2981 with glutamine.
Molecular consequence: missense variant.
Genome position (GRCh38, 1-based): chr2:219,490,429, G>A. VCF-style: chr2-219490429-G-A. GRCh37 (hg19) VCF-style: chr2-220355151-G-A.
Other names: c.8942G>A (NM_005876.4); short protein forms R2981Q.
Identifiers: ClinVar variation 1375808 (VCV001375808.8), dbSNP rs1386245180, ClinGen allele CA350713751.

ClinVar aggregate classification (germline): Uncertain significance. Review status: criteria provided, multiple submitters, no conflicts (2 of 4 stars). 2 submissions from 2 submitters: Uncertain significance (2). Last evaluated 2025-10-22.

Conditions:
Inborn genetic diseases. Identifiers: MedGen C0950123, MeSH D030342.

Allele frequency attached by ClinVar (database versions not stated): gnomAD exomes below 0.00001; gnomAD 0.00001; TOPMed 0.00001.
gnomAD v4.1: 8 of 1,612,096 alleles (0.0005%); highest among the groups gnomAD compares: South Asian, 0.0033%; no homozygotes.

Submissions (2):

Ambry Genetics
Classification: Uncertain significance for Inborn genetic diseases. Last evaluated: 2025-10-22. Review status: criteria provided, single submitter. Criteria: Ambry Variant Classification Scheme 2023. Collection method: clinical testing. Allele origin: germline.

Labcorp Genetics (formerly Invitae), Labcorp
Classification: Uncertain significance. Last evaluated: 2021-03-23. Review status: criteria provided, single submitter. Criteria: Invitae Variant Classification Sherloc (09022015). Collection method: clinical testing. Allele origin: germline.
Comment: In summary, the available evidence is currently insufficient to determine the role of this variant in disease. Therefore, it has been classified as a Variant of Uncertain Significance. This sequence change replaces arginine with glutamine at codon 2981 of the SPEG protein (p.Arg2981Gln). The arginine residue is highly conserved and there is a small physicochemical difference between arginine and glutamine. This variant is not present in population databases (ExAC no frequency). This variant has not been reported in the literature in individuals with SPEG-related conditions. Algorithms developed to predict the effect of missense changes on protein structure and function are either unavailable or do not agree on the potential impact of this missense change (SIFT: "Tolerated"; PolyPhen-2: "Probably Damaging"; Align-GVGD: "Class C0").